The following is an entry in ClinVar:

NM_001113491.2(SEPTIN9):c.1610G>A (p.Arg537Gln)

Gene: SEPTIN9 (septin 9; plus strand). Cytogenetic location: 17q25.3.
Variant type: single nucleotide variant.
Coding change: c.1610G>A on transcript NM_001113491.2 (MANE Select); coding-DNA position 1610, G replaced by A.
Protein change: p.Arg537Gln; replaces arginine 537 with glutamine.
Molecular consequence: missense variant.
Genome position (GRCh38, 1-based): chr17:77,497,351, G>A. VCF-style: chr17-77497351-G-A. GRCh37 (hg19) VCF-style: chr17-75493433-G-A.
Other names: c.1556G>A (NM_006640.4); c.1118G>A, p.Arg373Gln (NM_001113492.2, NM_001113494.1); c.1589G>A, p.Arg530Gln (NM_001113493.2); c.857G>A, p.Arg286Gln (NM_001113495.2, NM_001113496.2, NM_001293697.2 and 1 more transcripts); c.1553G>A, p.Arg518Gln (NM_001293695.2); c.938G>A, p.Arg313Gln (NM_001293696.2); c.1556G>A, p.Arg519Gln (NM_006640.5); short protein forms R519Q, R286Q, R313Q, R537Q, R373Q, R518Q, R530Q.
Identifiers: ClinVar variation 3674130 (VCV003674130.3).

ClinVar aggregate classification (germline): Uncertain significance. Review status: criteria provided, multiple submitters, no conflicts (2 of 4 stars). 2 submissions from 2 submitters: Uncertain significance (2). Last evaluated 2025-09-27.

Conditions:
Inborn genetic diseases. Identifiers: MedGen C0950123, MeSH D030342.

gnomAD v4.1: 11 of 1,613,816 alleles (0.00068%); highest among the groups gnomAD compares: South Asian, 0.0011%; no homozygotes.

Submissions (2):

Ambry Genetics
Classification: Uncertain significance for Inborn genetic diseases. Last evaluated: 2025-09-27. Review status: criteria provided, single submitter. Criteria: Ambry Variant Classification Scheme 2023. Collection method: clinical testing. Allele origin: germline.

Labcorp Genetics (formerly Invitae), Labcorp
Classification: Uncertain significance. Last evaluated: 2025-01-22. Review status: criteria provided, single submitter. Criteria: Invitae Variant Classification Sherloc (09022015). Collection method: clinical testing. Allele origin: germline.
Comment: This sequence change replaces arginine, which is basic and polar, with glutamine, which is neutral and polar, at codon 519 of the SEPT9 protein (p.Arg519Gln). The frequency data for this variant in the population databases is considered unreliable, as metrics indicate poor data quality at this position in the gnomAD database. This variant has not been reported in the literature in individuals affected with SEPT9-related conditions. Invitae Evidence Modeling of protein sequence and biophysical properties (such as structural, functional, and spatial information, amino acid conservation, physicochemical variation, residue mobility, and thermodynamic stability) indicates that this missense variant is expected to disrupt SEPT9 protein function with a positive predictive value of 80%. In summary, the available evidence is currently insufficient to determine the role of this variant in disease. Therefore, it has been classified as a Variant of Uncertain Significance.